The following is an entry in ClinVar:

NM_001145026.2(PTPRQ):c.5971C>T (p.His1991Tyr)

Gene: PTPRQ (protein tyrosine phosphatase receptor type Q; plus strand). Cytogenetic location: 12q21.31.
Variant type: single nucleotide variant.
Coding change: c.5971C>T on transcript NM_001145026.2 (MANE Select); coding-DNA position 5971, C replaced by T.
Protein change: p.His1991Tyr; replaces histidine 1991 with tyrosine.
Molecular consequence: missense variant.
Genome position (GRCh38, 1-based): chr12:80,649,616, C>T. VCF-style: chr12-80649616-C-T. GRCh37 (hg19) VCF-style: chr12-81043395-C-T.
Other names: short protein forms H1991Y.
Identifiers: ClinVar variation 3376628 (VCV003376628.1).
Genomic context (GRCh38, chr12:80,649,616, plus strand): 5'-TGACCCTATTTTATACCTTTCTTTACTTGGAGGCCAATAAGCAAGAAATCCTTCCTGCAA[C>T]ATGTTGAAGAGCTTTGCACAAACAACAACCTAAAGTTTCAAGAAGAATTTTCGGTATGTT-3'
Protein context (NP_001138498.1, residues 1981-2001): KPISKKSFLQ[His1991Tyr]VEELCTNNNL

ClinVar aggregate classification (germline): Uncertain significance (1 of 4 stars; one submission).

Conditions:
Autosomal recessive nonsyndromic hearing loss 84A. Also called: DEAFNESS, AUTOSOMAL RECESSIVE 84A; DEAFNESS, AUTOSOMAL RECESSIVE 84A, WITH VESTIBULAR DYSFUNCTION. Identifiers: Orphanet 90636, MedGen C3150654, MONDO:0013249, OMIM 613391.

gnomAD v4.1: 1 of 1,549,654 alleles (0.000065%); highest among the groups gnomAD compares: Admixed American, 0.002%; no homozygotes.

Submission:

Victorian Clinical Genetics Services, Murdoch Childrens Research Institute
Classification: Uncertain significance for Autosomal recessive nonsyndromic hearing loss 84A. Last evaluated: 2022-09-02. Review status: criteria provided, single submitter. Criteria: ACMG Guidelines, 2015. Collection method: clinical testing. Allele origin: germline. Inheritance: Autosomal recessive inheritance. Affected: yes.
Comment: Based on the classification scheme VCGS_Germline_v1.3.4, this variant is classified as VUS-3B. Following criteria are met: 0102 - Loss of function is a known mechanism of disease in this gene and is associated with autosomal recessive deafness 84A (MIM#613391), whereas the mechanism for autosomal dominant deafness 73 (MIM#617663) is unclear. (I) 0108 - This gene is associated with both recessive and dominant disease. Biallelic variants are commonly associated with recessive deafness, and dominant deafness is only established through recent publications (PMIDs: 29309402, 31655630, 33229591). (I) 0115 - Variants in this gene are known to have variable expressivity. High intrafamilial variability has been reported in individuals with deafness (PMID: 31655630). (I) 0200 - Variant is predicted to result in a missense amino acid change from histidine to tyrosine. (I) 0252 - This variant is homozygous. (I) 0304 - Variant is present in gnomAD (v3) <0.01 for a recessive condition (1 heterozygote, 0 homozygotes). (SP) 0502 - Missense variant with conflicting in silico predictions and high conservation. (I) 0604 - Variant is not located in an established domain, motif, hotspot or informative constraint region. (I) 0705 - No comparable missense variants have previous evidence for pathogenicity. (I) 0807 - This variant has no previous evidence of pathogenicity. (I) 0905 - No published segregation evidence has been identified for this variant. (I) 1007 - No published functional evidence has been identified for this variant. (I) Legend: (SP) - Supporting pathogenic, (I) - Information, (SB) - Supporting benign

Literature cited by the submitters: PubMed 29309402; PubMed 31655630; PubMed 33229591.